The following is an entry in ClinVar:

NM_004706.4(ARHGEF1):c.955C>A (p.Gln319Lys)

Gene: ARHGEF1 (Rho guanine nucleotide exchange factor 1; plus strand). Cytogenetic location: 19q13.2.
Variant type: single nucleotide variant.
Coding change: c.955C>A on transcript NM_004706.4 (MANE Select); coding-DNA position 955, C replaced by A.
Protein change: p.Gln319Lys; replaces glutamine 319 with lysine.
Molecular consequence: missense variant.
Genome position (GRCh38, 1-based): chr19:41,895,426, C>A. VCF-style: chr19-41895426-C-A. GRCh37 (hg19) VCF-style: chr19-42399499-C-A.
Other names: c.856C>A, p.Gln286Lys (NM_198977.2); c.1000C>A, p.Gln334Lys (NM_199002.2); short protein forms Q286K, Q319K, Q334K.
Identifiers: ClinVar variation 1360459 (VCV001360459.8), dbSNP rs1262484120, ClinGen allele CA406054724.
Genomic context (GRCh38, chr19:41,895,426, plus strand): 5'-ACAGACCGGAAGGGAGGCGTGGGGATGCCCTCTCGGGACCGGAATATCGGGGCTCCTGGG[C>A]AGGACACCCCTGGAGTCTCTCTGCACCCTCTGTCCCTGGACAGCCCAGACCGGGAACCAG-3'
Protein context (NP_004697.2, residues 309-329): SRDRNIGAPG[Gln319Lys]DTPGVSLHPL

ClinVar aggregate classification (germline): Uncertain significance (1 of 4 stars; one submission).

gnomAD v4.1: 9 of 1,612,724 alleles (0.00056%); highest among the groups gnomAD compares: Non-Finnish European, 0.00076%; no homozygotes.

Submission:

Labcorp Genetics (formerly Invitae), Labcorp
Classification: Uncertain significance. Last evaluated: 2022-08-09. Review status: criteria provided, single submitter. Criteria: Invitae Variant Classification Sherloc (09022015). Collection method: clinical testing. Allele origin: germline.
Comment: This variant has not been reported in the literature in individuals affected with ARHGEF1-related conditions. This variant is not present in population databases (gnomAD no frequency). This sequence change replaces glutamine, which is neutral and polar, with lysine, which is basic and polar, at codon 334 of the ARHGEF1 protein (p.Gln334Lys). ClinVar contains an entry for this variant (Variation ID: 1360459). In summary, the available evidence is currently insufficient to determine the role of this variant in disease. Therefore, it has been classified as a Variant of Uncertain Significance. Algorithms developed to predict the effect of missense changes on protein structure and function are either unavailable or do not agree on the potential impact of this missense change (SIFT: "Deleterious"; PolyPhen-2: "Benign"; Align-GVGD: "Class C0").